The following is an entry in ClinVar:

NM_052963.3(TOP1MT):c.818G>A (p.Gly273Glu)

Gene: TOP1MT (DNA topoisomerase I mitochondrial; minus strand). Cytogenetic location: 8q24.3.
Variant type: single nucleotide variant.
Coding change: c.818G>A on transcript NM_052963.3 (MANE Select); coding-DNA position 818, G replaced by A.
Protein change: p.Gly273Glu; replaces glycine 273 with glutamic acid.
Molecular consequence: missense variant.
Genome position (GRCh38, 1-based): chr8:143,324,141, C>T on the plus strand (G>A on the coding strand, the complement: TOP1MT is on the minus strand). VCF-style: chr8-143324141-C-T. GRCh37 (hg19) VCF-style: chr8-144406311-C-T.
Other names: c.524G>A, p.Gly175Glu (NM_001258446.1, NM_001258447.1); short protein forms G273E, G175E.
Identifiers: ClinVar variation 3693421 (VCV003693421.2).

ClinVar aggregate classification (germline): Uncertain significance (1 of 4 stars; one submission).

gnomAD v4.1: 6 of 1,612,932 alleles (0.00037%); highest among the groups gnomAD compares: Non-Finnish European, 0.00051%; no homozygotes.

Submission:

Labcorp Genetics (formerly Invitae), Labcorp
Classification: Uncertain significance. Last evaluated: 2024-10-29. Review status: criteria provided, single submitter. Criteria: Invitae Variant Classification Sherloc (09022015). Collection method: clinical testing. Allele origin: germline.
Comment: This sequence change replaces glycine, which is neutral and non-polar, with glutamic acid, which is acidic and polar, at codon 273 of the TOP1MT protein (p.Gly273Glu). This variant is not present in population databases (gnomAD no frequency). This variant has not been reported in the literature in individuals affected with TOP1MT-related conditions. An algorithm developed to predict the effect of missense changes on protein structure and function (PolyPhen-2) suggests that this variant is likely to be disruptive. In summary, the available evidence is currently insufficient to determine the role of this variant in disease. Therefore, it has been classified as a Variant of Uncertain Significance.